The following is an entry in ClinVar:

ClinVar aggregate classification (germline): Uncertain significance (1 of 4 stars; one submission).

Submission:

Mayo Clinic Laboratories, Mayo Clinic
Classification: Uncertain significance. Last evaluated: 2025-06-11. Review status: criteria provided, single submitter. Criteria: ACMG Guidelines, 2015. Collection method: clinical testing. Allele origin: germline. Observed: 1 variant allele.
Comment: BP4, PM2_supporting

NM_004444.5(EPHB4):c.2304C>G (p.Asn768Lys)

Gene: EPHB4 (EPH receptor B4; minus strand). Cytogenetic location: 7q22.1.
Variant type: single nucleotide variant.
Coding change: c.2304C>G on transcript NM_004444.5 (MANE Select); coding-DNA position 2304, C replaced by G.
Protein change: p.Asn768Lys; replaces asparagine 768 with lysine.
Molecular consequence: missense variant.
Genome position (GRCh38, 1-based): chr7:100,807,395, G>C on the plus strand (C>G on the coding strand, the complement: EPHB4 is on the minus strand). VCF-style: chr7-100807395-G-C. GRCh37 (hg19) VCF-style: chr7-100405017-G-C.
Other names: p.Asn768Lys; short protein forms N768K.
Identifiers: ClinVar variation 4541319 (VCV004541319.1).
Genomic context (GRCh38, chr7:100,807,395, plus strand): 5'-GCTCACACCCAGTATTACCCCCAGCATTACCAGGGAGCTCGTGTAGGTGGGATCGGAAGA[G>C]TTCTCCTCCAGGAATCGGGAAAGGCCAAAGTCAGACACTTTGCAGACGAGGTTGCTGTTG-3'
Protein context (NP_004435.3, residues 758-778): DFGLSRFLEE[Asn768Lys]SSDPTYTSSL